The following is an entry in ClinVar:

ClinVar aggregate classification (germline): Uncertain significance (1 of 4 stars; one submission).

Submission:

Labcorp Genetics (formerly Invitae), Labcorp
Classification: Uncertain significance. Last evaluated: 2022-07-17. Review status: criteria provided, single submitter. Criteria: Invitae Variant Classification Sherloc (09022015). Collection method: clinical testing. Allele origin: germline.
Comment: This variant is not present in population databases (gnomAD no frequency). This variant has not been reported in the literature in individuals affected with OR2W3-related conditions. Algorithms developed to predict the effect of missense changes on protein structure and function output the following: SIFT: "Tolerated"; PolyPhen-2: "Benign"; Align-GVGD: "Class C0". The serine amino acid residue is found in multiple mammalian species, which suggests that this missense change does not adversely affect protein function. In summary, the available evidence is currently insufficient to determine the role of this variant in disease. Therefore, it has been classified as a Variant of Uncertain Significance. This sequence change replaces threonine, which is neutral and polar, with serine, which is neutral and polar, at codon 43 of the OR2W3 protein (p.Thr43Ser).

NM_001001957.2(OR2W3):c.128C>G (p.Thr43Ser)

Gene: OR2W3 (olfactory receptor family 2 subfamily W member 3; plus strand). Cytogenetic location: 1q44.
Variant type: single nucleotide variant.
Coding change: c.128C>G on transcript NM_001001957.2 (MANE Select); coding-DNA position 128, C replaced by G.
Protein change: p.Thr43Ser; replaces threonine 43 with serine.
Molecular consequence: missense variant.
Genome position (GRCh38, 1-based): chr1:247,895,714, C>G. VCF-style: chr1-247895714-C-G. GRCh37 (hg19) VCF-style: chr1-248059016-C-G.
Other names: short protein forms T43S.
Identifiers: ClinVar variation 2017973 (VCV002017973.4), dbSNP rs1659592716, ClinGen allele CA345591272.